The following is an entry in ClinVar:

ClinVar aggregate classification (germline): Uncertain significance. Review status: criteria provided, multiple submitters, no conflicts (2 of 4 stars). 3 submissions from 3 submitters: Uncertain significance (3). Last evaluated 2025-07-25.

Conditions:
Congenital microcephaly - severe encephalopathy - progressive cerebral atrophy syndrome. Also called: Asparagine synthetase deficiency; ASNS DEFICIENCY. Identifiers: Orphanet 391376, MedGen C3809971, MONDO:0014258, OMIM 615574.

Allele frequency attached by ClinVar (database versions not stated): gnomAD 0.00001; gnomAD exomes 0.00002; ExAC 0.00005.
gnomAD v4.1: 24 of 1,614,016 alleles (0.0015%); highest among the groups gnomAD compares: South Asian, 0.013%; no homozygotes.

Submissions (3):

GeneDx
Classification: Uncertain significance. Last evaluated: 2025-07-25. Review status: criteria provided, single submitter. Criteria: GeneDx Variant Classification Process June 2021. Collection method: clinical testing. Allele origin: germline. Affected: yes.
Comment: Observed in an individual with a personal or family history of breast cancer (PMID: 25923920); In silico analysis supports that this missense variant has a deleterious effect on protein structure/function; This variant is associated with the following publications: (PMID: 25923920)

Labcorp Genetics (formerly Invitae), Labcorp
Classification: Uncertain significance. Last evaluated: 2024-10-24. Review status: criteria provided, single submitter. Criteria: Invitae Variant Classification Sherloc (09022015). Collection method: clinical testing. Allele origin: germline.
Comment: This sequence change replaces arginine, which is basic and polar, with tryptophan, which is neutral and slightly polar, at codon 49 of the ASNS protein (p.Arg49Trp). The frequency data for this variant in the population databases is considered unreliable, as metrics indicate poor data quality at this position in the gnomAD database. This variant has not been reported in the literature in individuals affected with ASNS-related conditions. ClinVar contains an entry for this variant (Variation ID: 2155687). Invitae Evidence Modeling of protein sequence and biophysical properties (such as structural, functional, and spatial information, amino acid conservation, physicochemical variation, residue mobility, and thermodynamic stability) indicates that this missense variant is expected to disrupt ASNS protein function with a positive predictive value of 80%. This variant disrupts the p.Arg49 amino acid residue in ASNS. Other variant(s) that disrupt this residue have been determined to be pathogenic (PMID: 29279279, 30978478, 33287870). This suggests that this residue is clinically significant, and that variants that disrupt this residue are likely to be disease-causing. In summary, the available evidence is currently insufficient to determine the role of this variant in disease. Therefore, it has been classified as a Variant of Uncertain Significance.

Baylor Genetics
Classification: Uncertain significance for Congenital microcephaly - severe encephalopathy - progressive cerebral atrophy syndrome. Last evaluated: 2024-02-29. Review status: criteria provided, single submitter. Criteria: ACMG Guidelines, 2015. Collection method: clinical testing. Allele origin: unknown.

Literature cited by the submitters: PubMed 29279279 (cited by Labcorp Genetics (formerly Invitae), Labcorp); PubMed 30978478 (cited by Labcorp Genetics (formerly Invitae), Labcorp); PubMed 33287870 (cited by Labcorp Genetics (formerly Invitae), Labcorp).

NM_001673.5(ASNS):c.145C>T (p.Arg49Trp)

Genes: ASNS (asparagine synthetase (glutamine-hydrolyzing); minus strand), CZ1P-ASNS (CZ1P-ASNS readthrough; minus strand). Cytogenetic location: 7q21.3.
Variant type: single nucleotide variant.
Coding change: c.145C>T on transcript NM_001673.5 (MANE Select); coding-DNA position 145, C replaced by T.
Protein change: p.Arg49Trp; replaces arginine 49 with tryptophan.
Molecular consequence: missense variant. On other transcripts: non-coding transcript variant (1), intron variant (2).
Genome position (GRCh38, 1-based): chr7:97,869,012, G>A on the plus strand (C>T on the coding strand, the complement: ASNS is on the minus strand). VCF-style: chr7-97869012-G-A. GRCh37 (hg19) VCF-style: chr7-97498324-G-A.
Other names: c.82C>T, p.Arg28Trp (NM_001178075.2); c.145C>T, p.Arg49Trp (NM_001352496.2, NM_133436.3, NM_183356.4); c.-1+3339C>T (NM_001178076.2); c.-1+3029C>T (NM_001178077.1); short protein forms R49W, R28W.
Identifiers: ClinVar variation 2155687 (VCV002155687.4), dbSNP rs111953545, ClinGen allele CA4354842.
Genomic context (GRCh38, chr7:97,869,012, plus strand): 5'-ACGGATATTTCTTCACTCGAATTGGCTGCATTCCAAACAGCGGGTCAACTACCGCCAACC[G>A]GTGAAATCCAAAGCAGCAGTTGGTGTATCCATTGACATTCTCAAAACGGAATGCATCTGG-3'
Protein context (NP_001664.3, residues 39-59): GYTNCCFGFH[Arg49Trp]LAVVDPLFGM